The following is an entry in ClinVar:

ClinVar aggregate classification (germline): Likely benign. Review status: criteria provided, multiple submitters, no conflicts (2 of 4 stars). 2 submissions from 2 submitters: Likely benign (2). Last evaluated 2024-11-13.

Allele frequency attached by ClinVar (database versions not stated): ESP Exome Variant Server 0.00015; TOPMed 0.00018; gnomAD 0.00035; gnomAD exomes 0.00048; ExAC 0.00102; 1000 Genomes Project 30x 0.00109; 1000 Genomes Project 0.00120.

Submissions (2):

Blueprint Genetics
Classification: Likely benign. Last evaluated: 2024-11-13. Review status: criteria provided, single submitter. Criteria: ACMG Guidelines, 2015. Collection method: clinical testing. Allele origin: germline.

CeGaT Center for Human Genetics Tuebingen
Classification: Likely benign. Last evaluated: 2024-08-01. Review status: criteria provided, single submitter. Criteria: CeGaT Center For Human Genetics Tuebingen Variant Classification Criteria Version 2. Collection method: clinical testing. Allele origin: germline. Affected: yes. Observed: 3 variant alleles.
Comment: ATAD3A: BP4, BP7

NM_001170535.3(ATAD3A):c.1347G>A (p.Leu449=)

Gene: ATAD3A (ATPase family AAA domain containing 3A; plus strand). Cytogenetic location: 1p36.33.
Variant type: single nucleotide variant.
Coding change: c.1347G>A on transcript NM_001170535.3 (MANE Select); coding-DNA position 1347, G replaced by A.
Protein change: p.Leu449=; no amino-acid change (leucine 449 retained).
Molecular consequence: synonymous variant.
Genome position (GRCh38, 1-based): chr1:1,527,704, G>A. VCF-style: chr1-1527704-G-A. GRCh37 (hg19) VCF-style: chr1-1463084-G-A.
Other names: c.1110G>A, p.Leu370= (NM_001170536.3); c.1491G>A, p.Leu497= (NM_018188.5).
Identifiers: ClinVar variation 2582849 (VCV002582849.26), dbSNP rs369118224, ClinGen allele CA526398.